The following is an entry in ClinVar:

NM_001105206.3(LAMA4):c.4706T>C (p.Ile1569Thr)

Gene: LAMA4 (laminin subunit alpha 4; minus strand). Cytogenetic location: 6q21.
Variant type: single nucleotide variant.
Coding change: c.4706T>C on transcript NM_001105206.3 (MANE Select); coding-DNA position 4706, T replaced by C.
Protein change: p.Ile1569Thr; replaces isoleucine 1569 with threonine.
Molecular consequence: missense variant.
Genome position (GRCh38, 1-based): chr6:112,119,271, A>G on the plus strand (T>C on the coding strand, the complement: LAMA4 is on the minus strand). VCF-style: chr6-112119271-A-G. GRCh37 (hg19) VCF-style: chr6-112440474-A-G.
Other names: c.4685T>C, p.Ile1562Thr (NM_001105207.3, NM_002290.5); short protein forms I1562T, I1569T.
Identifiers: ClinVar variation 1742411 (VCV001742411.2), dbSNP rs781790835, ClinGen allele CA3964921.

ClinVar aggregate classification (germline): Uncertain significance (1 of 4 stars; one submission).

Conditions:
Cardiovascular phenotype. Identifiers: MedGen CN230736.

Allele frequency attached by ClinVar (database versions not stated): TOPMed below 0.00001; ExAC 0.00001; gnomAD exomes 0.00001.
gnomAD v4.1: 7 of 1,614,084 alleles (0.00043%); highest among the groups gnomAD compares: South Asian, 0.0011%; no homozygotes.

Submission:

Ambry Genetics
Classification: Uncertain significance for Cardiovascular phenotype. Last evaluated: 2019-06-24. Review status: criteria provided, single submitter. Criteria: Ambry Variant Classification Scheme 2023. Collection method: clinical testing. Allele origin: germline.
Comment: The p.I1562T variant (also known as c.4685T>C), located in coding exon 33 of the LAMA4 gene, results from a T to C substitution at nucleotide position 4685. The isoleucine at codon 1562 is replaced by threonine, an amino acid with similar properties. This amino acid position is highly conserved in available vertebrate species. In addition, this alteration is predicted to be deleterious by in silico analysis. Since supporting evidence is limited at this time, the clinical significance of this alteration remains unclear.